The following is an entry in ClinVar:

NM_004984.4(KIF5A):c.1540C>A (p.Leu514Ile)

Gene: KIF5A (kinesin family member 5A; plus strand). Cytogenetic location: 12q13.3.
Variant type: single nucleotide variant.
Coding change: c.1540C>A on transcript NM_004984.4 (MANE Select); coding-DNA position 1540, C replaced by A.
Protein change: p.Leu514Ile; replaces leucine 514 with isoleucine.
Molecular consequence: missense variant.
Genome position (GRCh38, 1-based): chr12:57,572,238, C>A. VCF-style: chr12-57572238-C-A. GRCh37 (hg19) VCF-style: chr12-57966021-C-A.
Other names: c.1273C>A, p.Leu425Ile (NM_001354705.2); short protein forms L514I, L425I.
Identifiers: ClinVar variation 2117169 (VCV002117169.4), dbSNP rs2540504240, ClinGen allele CA385507246.

ClinVar aggregate classification (germline): Uncertain significance (1 of 4 stars; one submission).

Conditions:
Spastic paraplegia. Identifiers: MedGen C0037772, HP:0001258.

gnomAD v4.1: 1 of 1,605,324 alleles (0.000062%); highest among the groups gnomAD compares: Non-Finnish European, 0.000085%; no homozygotes.

Submission:

Labcorp Genetics (formerly Invitae), Labcorp
Classification: Uncertain significance for Spastic paraplegia. Last evaluated: 2022-12-03. Review status: criteria provided, single submitter. Criteria: Invitae Variant Classification Sherloc (09022015). Collection method: clinical testing. Allele origin: germline.
Comment: This variant is not present in population databases (gnomAD no frequency). This variant has not been reported in the literature in individuals affected with KIF5A-related conditions. Advanced modeling of protein sequence and biophysical properties (such as structural, functional, and spatial information, amino acid conservation, physicochemical variation, residue mobility, and thermodynamic stability) performed at Invitae indicates that this missense variant is not expected to disrupt KIF5A protein function. In summary, the available evidence is currently insufficient to determine the role of this variant in disease. Therefore, it has been classified as a Variant of Uncertain Significance. This sequence change replaces leucine, which is neutral and non-polar, with isoleucine, which is neutral and non-polar, at codon 514 of the KIF5A protein (p.Leu514Ile).